The following is an entry in ClinVar:

NM_018249.6(CDK5RAP2):c.1649A>G (p.Tyr550Cys)

Gene: CDK5RAP2 (CDK5 regulatory subunit associated protein 2; minus strand). Cytogenetic location: 9q33.2.
Variant type: single nucleotide variant.
Coding change: c.1649A>G on transcript NM_018249.6 (MANE Select); coding-DNA position 1649, A replaced by G.
Protein change: p.Tyr550Cys; replaces tyrosine 550 with cysteine.
Molecular consequence: missense variant. On other transcripts: non-coding transcript variant (5).
Genome position (GRCh38, 1-based): chr9:120,477,428, T>C on the plus strand (A>G on the coding strand, the complement: CDK5RAP2 is on the minus strand). VCF-style: chr9-120477428-T-C. GRCh37 (hg19) VCF-style: chr9-123239706-T-C.
Other names: c.1649A>G, p.Tyr550Cys (NM_001011649.3, NM_001272039.2, NM_001410992.1 and 2 more transcripts); c.1649A>G (NM_018249.4); short protein forms Y550C.
Identifiers: ClinVar variation 2212568 (VCV002212568.8), dbSNP rs748302668, ClinGen allele CA5214319.

ClinVar aggregate classification (germline): Uncertain significance. Review status: criteria provided, multiple submitters, no conflicts (2 of 4 stars). 2 submissions from 2 submitters: Uncertain significance (2). Last evaluated 2023-07-25.

Conditions:
Inborn genetic diseases. Identifiers: MedGen C0950123, MeSH D030342.

Allele frequency attached by ClinVar (database versions not stated): gnomAD 0.00001; ExAC 0.00002; gnomAD exomes 0.00002; TOPMed 0.00002.
gnomAD v4.1: 24 of 1,612,986 alleles (0.0015%); highest among the groups gnomAD compares: Non-Finnish European, 0.002%; no homozygotes.

Submissions (2):

Labcorp Genetics (formerly Invitae), Labcorp
Classification: Uncertain significance. Last evaluated: 2023-07-25. Review status: criteria provided, single submitter. Criteria: Invitae Variant Classification Sherloc (09022015). Collection method: clinical testing. Allele origin: germline.
Comment: In summary, the available evidence is currently insufficient to determine the role of this variant in disease. Therefore, it has been classified as a Variant of Uncertain Significance. An algorithm developed to predict the effect of missense changes on protein structure and function (PolyPhen-2) suggests that this variant is likely to be disruptive. ClinVar contains an entry for this variant (Variation ID: 2212568). This variant has not been reported in the literature in individuals affected with CDK5RAP2-related conditions. This variant is present in population databases (rs748302668, gnomAD 0.003%). This sequence change replaces tyrosine, which is neutral and polar, with cysteine, which is neutral and slightly polar, at codon 550 of the CDK5RAP2 protein (p.Tyr550Cys).

Ambry Genetics
Classification: Uncertain significance for Inborn genetic diseases. Last evaluated: 2021-06-22. Review status: criteria provided, single submitter. Criteria: Ambry Variant Classification Scheme 2023. Collection method: clinical testing. Allele origin: germline.